The following is an entry in ClinVar:

NM_001606.5(ABCA2):c.2187G>A (p.Ala729=)

Gene: ABCA2 (ATP binding cassette subfamily A member 2; minus strand). Cytogenetic location: 9q34.3.
Variant type: single nucleotide variant.
Coding change: c.2187G>A on transcript NM_001606.5 (MANE Select); coding-DNA position 2187, G replaced by A.
Protein change: p.Ala729=; no amino-acid change (alanine 729 retained).
Molecular consequence: synonymous variant.
Genome position (GRCh38, 1-based): chr9:137,017,811, C>T on the plus strand (G>A on the coding strand, the complement: ABCA2 is on the minus strand). VCF-style: chr9-137017811-C-T. GRCh37 (hg19) VCF-style: chr9-139912263-C-T.
Other names: c.2184G>A, p.Ala728= (NM_001411042.1); c.2277G>A, p.Ala759= (NM_212533.3).
Identifiers: ClinVar variation 3905013 (VCV003905013.10).

ClinVar aggregate classification (germline): Likely benign (1 of 4 stars; one submission).

gnomAD v4.1: 17 of 1,612,420 alleles (0.0011%); highest among the groups gnomAD compares: African/African-American, 0.0067%; no homozygotes.

Submission:

CeGaT Center for Human Genetics Tuebingen
Classification: Likely benign. Last evaluated: 2025-06-01. Review status: criteria provided, single submitter. Criteria: CeGaT Center For Human Genetics Tuebingen Variant Classification Criteria Version 2. Collection method: clinical testing. Allele origin: germline. Affected: yes. Observed: 1 variant allele.
Comment: ABCA2: BP4, BP7